The following is an entry in ClinVar:

ClinVar aggregate classification (germline): Uncertain significance (1 of 4 stars; one submission).

gnomAD v4.1: 11 of 1,613,806 alleles (0.00068%); highest among the groups gnomAD compares: Admixed American, 0.0017%; no homozygotes.

Submission:

GeneDx
Classification: Uncertain significance. Last evaluated: 2025-12-24. Review status: criteria provided, single submitter. Criteria: GeneDx Variant Classification Process June 2021. Collection method: clinical testing. Allele origin: germline.
Comment: In silico analysis supports that this missense variant has a deleterious effect on protein structure/function; Has not been previously published as pathogenic or benign to our knowledge

NM_001256071.3(RNF213):c.8624C>T (p.Pro2875Leu)

Gene: RNF213 (ring finger protein 213; plus strand). Cytogenetic location: 17q25.3.
Variant type: single nucleotide variant.
Coding change: c.8624C>T on transcript NM_001256071.3 (MANE Select); coding-DNA position 8624, C replaced by T.
Protein change: p.Pro2875Leu; replaces proline 2875 with leucine.
Molecular consequence: missense variant.
Genome position (GRCh38, 1-based): chr17:80,346,959, C>T. VCF-style: chr17-80346959-C-T. GRCh37 (hg19) VCF-style: chr17-78320759-C-T.
Other names: c.8771C>T, p.Pro2924Leu (NM_001410195.1, NM_020914.5); short protein forms P2875L, P2924L.
Identifiers: ClinVar variation 3776590 (VCV003776590.2).